The following is an entry in ClinVar:

NM_000268.4(NF2):c.240+6G>A

Gene: NF2 (NF2, moesin-ezrin-radixin like (MERLIN) tumor suppressor; plus strand). Cytogenetic location: 22q12.2.
Variant type: single nucleotide variant.
Coding change: c.240+6G>A on transcript NM_000268.4 (MANE Select); 6 bases into the intron after coding-DNA position 240, G replaced by A.
Molecular consequence: intron variant.
Genome position (GRCh38, 1-based): chr22:29,636,882, G>A. VCF-style: chr22-29636882-G-A. GRCh37 (hg19) VCF-style: chr22-30032871-G-A.
Other names: c.240+6G>A (NM_016418.5, NM_181832.3, NM_181833.3 and 2 more transcripts); c.115-2208G>A (NM_181828.3); c.115-5320G>A (NM_181830.3, NM_181831.3).
Identifiers: ClinVar variation 1056984 (VCV001056984.9), dbSNP rs771417406, ClinGen allele CA2499226117.

ClinVar aggregate classification (germline): Uncertain significance (1 of 4 stars; one submission).

Conditions:
Neurofibromatosis, type 2 (SWNV). Also called: BILATERAL ACOUSTIC NEUROFIBROMATOSIS; NF2-Related Schwannomatosis; SCHWANNOMATOSIS, VESTIBULAR. Identifiers: Orphanet 637, MedGen C0027832, MONDO:0007039, OMIM 101000. Disease mechanism: loss of function.

gnomAD v4.1: 2 of 1,614,026 alleles (0.00012%); highest among the groups gnomAD compares: Non-Finnish European, 0.00017%; no homozygotes.

Submission:

Labcorp Genetics (formerly Invitae), Labcorp
Classification: Uncertain significance for Neurofibromatosis, type 2. Last evaluated: 2025-10-16. Review status: criteria provided, single submitter. Criteria: Invitae Variant Classification Sherloc (09022015). Collection method: clinical testing. Allele origin: germline.
Comment: This sequence change falls in intron 2 of the NF2 gene. It does not directly change the encoded amino acid sequence of the NF2 protein. It affects a nucleotide within the consensus splice site. This variant is not present in population databases (gnomAD no frequency). This variant has not been reported in the literature in individuals affected with NF2-related conditions. ClinVar contains an entry for this variant (Variation ID: 1056984). Variants that disrupt the consensus splice site are a relatively common cause of aberrant splicing (PMID: 17576681, 9536098). Algorithms developed to predict the effect of sequence changes on RNA splicing suggest that this variant is not likely to affect RNA splicing. In summary, the available evidence is currently insufficient to determine the role of this variant in disease. Therefore, it has been classified as a Variant of Uncertain Significance.

Literature cited by the submitters: PubMed 17576681; PubMed 9536098.